The following is an entry in ClinVar:

NM_032043.3(BRIP1):c.1107C>G (p.Tyr369Ter)

Gene: BRIP1 (BRCA1 interacting DNA helicase 1; minus strand). Cytogenetic location: 17q23.2.
Variant type: single nucleotide variant.
Coding change: c.1107C>G on transcript NM_032043.3 (MANE Select); coding-DNA position 1107, C replaced by G.
Protein change: p.Tyr369Ter; replaces tyrosine 369 with a stop codon.
Molecular consequence: nonsense.
Genome position (GRCh38, 1-based): chr17:61,801,286, G>C on the plus strand (C>G on the coding strand, the complement: BRIP1 is on the minus strand). VCF-style: chr17-61801286-G-C. GRCh37 (hg19) VCF-style: chr17-59878647-G-C.
Other names: c.1107C>G (NM_032043.2); short protein forms Y369*.
Identifiers: ClinVar variation 1453587 (VCV001453587.9), dbSNP rs1489355776, ClinGen allele CA400483917.

ClinVar aggregate classification (germline): Pathogenic. Review status: criteria provided, multiple submitters, no conflicts (2 of 4 stars). 3 submissions from 3 submitters: Pathogenic (3). Last evaluated 2026-04-13.

Conditions:
Familial cancer of breast. Also called: BREAST CANCER, FAMILIAL; Hereditary breast cancer; hereditary breast carcinoma. Identifiers: Orphanet 227535, MedGen C0346153, MONDO:0016419, OMIM 114480. Disease mechanism: loss of function.
Fanconi anemia complementation group J. Also called: BRIP1-Related Fanconi Anemia. Identifiers: Orphanet 84, MedGen C1836860, MONDO:0012187, OMIM 609054.
Hereditary cancer-predisposing syndrome. Also called: Tumor predisposition; Neoplastic Syndromes, Hereditary; Hereditary Cancer Syndrome; Hereditary neoplastic syndrome. Identifiers: Orphanet 140162, MedGen C0027672, MeSH D009386, MONDO:0015356.

Submissions (3):

Ambry Genetics
Classification: Pathogenic for Hereditary cancer-predisposing syndrome. Last evaluated: 2026-04-13. Review status: criteria provided, single submitter. Criteria: Ambry Variant Classification Scheme 2023. Collection method: clinical testing. Allele origin: germline.
Comment: The p.Y369* pathogenic mutation (also known as c.1107C>G), located in coding exon 7 of the BRIP1 gene, results from a C to G substitution at nucleotide position 1107. This changes the amino acid from a tyrosine to a stop codon within coding exon 7. This variant is considered to be rare based on population cohorts in the Genome Aggregation Database (gnomAD). This variant is expected to result in loss of function by premature protein truncation or nonsense-mediated mRNA decay. As such, this variant is interpreted as a disease-causing mutation.

Labcorp Genetics (formerly Invitae), Labcorp
Classification: Pathogenic for Familial cancer of breast; Fanconi anemia complementation group J. Last evaluated: 2025-11-24. Review status: criteria provided, single submitter. Criteria: Invitae Variant Classification Sherloc (09022015). Collection method: clinical testing. Allele origin: germline.
Comment: This sequence change creates a premature translational stop signal (p.Tyr369*) in the BRIP1 gene. It is expected to result in an absent or disrupted protein product. Loss-of-function variants in BRIP1 are known to be pathogenic (PMID: 16116423, 17033622, 21964575). This variant is not present in population databases (gnomAD no frequency). This variant has not been reported in the literature in individuals affected with BRIP1-related conditions. ClinVar contains an entry for this variant (Variation ID: 1453587). RNA analysis performed to evaluate the impact of this premature translational stop signal on mRNA splicing indicates it does not significantly alter splicing (internal data). For these reasons, this variant has been classified as Pathogenic.

Myriad Genetics, Inc.
Classification: Pathogenic for Familial cancer of breast. Last evaluated: 2023-06-01. Review status: criteria provided, single submitter. Criteria: Myriad Autosomal Dominant, Autosomal Recessive and X-Linked Classification Criteria (2023). Collection method: clinical testing. Allele origin: unknown.
Comment: This variant is considered pathogenic. This variant creates a termination codon and is predicted to result in premature protein truncation.

Literature cited by the submitters: PubMed 16116423 (cited by Labcorp Genetics (formerly Invitae), Labcorp); PubMed 17033622 (cited by Labcorp Genetics (formerly Invitae), Labcorp); PubMed 21964575 (cited by Labcorp Genetics (formerly Invitae), Labcorp).